The following is an entry in ClinVar:

ClinVar aggregate classification (germline): Uncertain significance. Review status: criteria provided, multiple submitters, no conflicts (2 of 4 stars). 3 submissions from 3 submitters: Uncertain significance (3). Last evaluated 2025-12-09.

Conditions:
Inborn genetic diseases. Identifiers: MedGen C0950123, MeSH D030342.

Allele frequency attached by ClinVar (database versions not stated): gnomAD exomes 0.00003 and 0.00005; ExAC 0.00004; ESP Exome Variant Server 0.00008; gnomAD 0.00009 and 0.00010; 1000 Genomes Project 30x 0.00016; 1000 Genomes Project 0.00020.
gnomAD v4.1: 57 of 1,614,068 alleles (0.0035%); highest among the groups gnomAD compares: Admixed American, 0.015%; no homozygotes.

Submissions (3):

Ambry Genetics
Classification: Uncertain significance for Inborn genetic diseases. Last evaluated: 2025-12-09. Review status: criteria provided, single submitter. Criteria: Ambry Variant Classification Scheme 2023. Collection method: clinical testing. Allele origin: germline.

Labcorp Genetics (formerly Invitae), Labcorp
Classification: Uncertain significance. Last evaluated: 2023-08-02. Review status: criteria provided, single submitter. Criteria: Invitae Variant Classification Sherloc (09022015). Collection method: clinical testing. Allele origin: germline.
Comment: ClinVar contains an entry for this variant (Variation ID: 1399780). In summary, the available evidence is currently insufficient to determine the role of this variant in disease. Therefore, it has been classified as a Variant of Uncertain Significance. Algorithms developed to predict the effect of sequence changes on RNA splicing suggest that this variant may create or strengthen a splice site. Advanced modeling of protein sequence and biophysical properties (such as structural, functional, and spatial information, amino acid conservation, physicochemical variation, residue mobility, and thermodynamic stability) performed at Invitae indicates that this missense variant is not expected to disrupt GRM6 protein function. This missense change has been observed in individual(s) with blindness (PMID: 32483926). This variant is present in population databases (rs371828482, gnomAD 0.01%). This sequence change replaces valine, which is neutral and non-polar, with phenylalanine, which is neutral and non-polar, at codon 230 of the GRM6 protein (p.Val230Phe).

Blueprint Genetics
Classification: Uncertain significance. Last evaluated: 2023-05-09. Review status: criteria provided, single submitter. Criteria: ACMG Guidelines, 2015. Collection method: clinical testing. Allele origin: germline.

Literature cited by the submitters: PubMed 32483926 (cited by Labcorp Genetics (formerly Invitae), Labcorp).

NM_000843.4(GRM6):c.688G>T (p.Val230Phe)

Gene: GRM6 (glutamate metabotropic receptor 6; minus strand). Cytogenetic location: 5q35.3.
Variant type: single nucleotide variant.
Coding change: c.688G>T on transcript NM_000843.4 (MANE Select); coding-DNA position 688, G replaced by T.
Protein change: p.Val230Phe; replaces valine 230 with phenylalanine.
Molecular consequence: missense variant.
Genome position (GRCh38, 1-based): chr5:178,991,900, C>A on the plus strand (G>T on the coding strand, the complement: GRM6 is on the minus strand). VCF-style: chr5-178991900-C-A. GRCh37 (hg19) VCF-style: chr5-178418901-C-A.
Other names: c.688G>T (NM_000843.3); short protein forms V230F.
Identifiers: ClinVar variation 1399780 (VCV001399780.7), dbSNP rs371828482, ClinGen allele CA3594461.
Genomic context (GRCh38, chr5:178,991,900, plus strand): 5'-CTTGGTGCCTCGGAGCCCCCAGCTCACCAGCCTCTCGGGAGATCTGAACGAAGGCCTCAA[C>A]CCCACTTTCGCCATAGTTGCCCTCGGAGGCCAGCGTGGACACATAGTTCCATCCCAGTGC-3'
Protein context (NP_000834.2, residues 220-240): ASEGNYGESG[Val230Phe]EAFVQISREA